The following is an entry in ClinVar:

ClinVar aggregate classification (germline): Uncertain significance (1 of 4 stars; one submission).

Conditions:
Supravalvar aortic stenosis (SVAS). Also called: Supravalvar aortic stenosis, Eisenberg type. Identifiers: Orphanet 3193, MedGen C0003499, MONDO:0008504, OMIM 185500, HP:0004381.

Allele frequency attached by ClinVar (database versions not stated): gnomAD exomes 0.00003; TOPMed 0.00015; gnomAD 0.00021 and 0.00022.
gnomAD v4.1: 45 of 1,511,400 alleles (0.003%); highest among the groups gnomAD compares: Admixed American, 0.048%; no homozygotes.

Submission:

Labcorp Genetics (formerly Invitae), Labcorp
Classification: Uncertain significance for Supravalvar aortic stenosis. Last evaluated: 2025-08-24. Review status: criteria provided, single submitter. Criteria: Invitae Variant Classification Sherloc (09022015). Collection method: clinical testing. Allele origin: germline.
Comment: This sequence change replaces glycine, which is neutral and non-polar, with alanine, which is neutral and non-polar, at codon 461 of the ELN protein (p.Gly461Ala). This variant is present in population databases (no rsID available, gnomAD 0.02%). This variant has not been reported in the literature in individuals affected with ELN-related conditions. ClinVar contains an entry for this variant (Variation ID: 639548). Invitae Evidence Modeling of protein sequence and biophysical properties (such as structural, functional, and spatial information, amino acid conservation, physicochemical variation, residue mobility, and thermodynamic stability) indicates that this missense variant is not expected to disrupt ELN protein function with a negative predictive value of 80%. In summary, the available evidence is currently insufficient to determine the role of this variant in disease. Therefore, it has been classified as a Variant of Uncertain Significance.

NM_000501.4(ELN):c.1358-234G>C

Gene: ELN (elastin; plus strand). Cytogenetic location: 7q11.23.
Variant type: single nucleotide variant.
Coding change: c.1358-234G>C on transcript NM_000501.4 (MANE Select); 234 bases into the intron before coding-DNA position 1358, G replaced by C.
Molecular consequence: intron variant. On other transcripts: missense variant (1).
Genome position (GRCh38, 1-based): chr7:74,057,406, G>C. VCF-style: chr7-74057406-G-C. GRCh37 (hg19) VCF-style: chr7-73471736-G-C.
Other names: c.1382G>C, p.Gly461Ala (NM_001278939.2); c.1373-234G>C (NM_001081754.3); c.1372+693G>C (NM_001081753.3); c.1358-234G>C (NM_001278915.2, NM_001278912.2); c.1357+693G>C (NM_001081755.3); c.1315+693G>C (NM_001278916.2); c.1171+693G>C (NM_001278913.2); c.1342+693G>C (NM_001278914.2); and 3 more; short protein forms G461A.
Identifiers: ClinVar variation 639548 (VCV000639548.8), dbSNP rs1011146056, ClinGen allele CA160109961.
Genomic context (GRCh38, chr7:74,057,406, plus strand): 5'-GGGAGGGGCAAGGCTGAAAGTTCTCCACTCCCCGAGGTGCTGCAGGAGCAGGAGTGCTGG[G>C]TGGGCTAGTGCCAGGTGCCCCAGGCGCAGTCCCAGGTGTGCCGGGCACGGGAGGAGTGCC-3'